The following is an entry in ClinVar:

ClinVar aggregate classification (germline): Uncertain significance (1 of 4 stars; one submission).

Conditions:
Beckwith-Wiedemann syndrome (BWS). Also called: EMG SYNDROME; Exomphalos macroglossia gigantism syndrome. Identifiers: Orphanet 116, MedGen C0004903, MONDO:0007534, OMIM 130650.

Submission:

Labcorp Genetics (formerly Invitae), Labcorp
Classification: Uncertain significance for Beckwith-Wiedemann syndrome. Last evaluated: 2020-08-25. Review status: criteria provided, single submitter. Criteria: Invitae Variant Classification Sherloc (09022015). Collection method: clinical testing. Allele origin: germline.
Comment: This variant has been observed in individual(s) with Beckwith-Wiedemann syndrome (Invitae). It has also been observed to segregate with disease in related individuals. This variant is not present in population databases (ExAC no frequency). This sequence change replaces phenylalanine with isoleucine at codon 65 of the CDKN1C protein (p.Phe65Ile). The phenylalanine residue is highly conserved and there is a small physicochemical difference between phenylalanine and isoleucine. Algorithms developed to predict the effect of missense changes on protein structure and function are either unavailable or do not agree on the potential impact of this missense change (SIFT: "Deleterious"; PolyPhen-2: "Probably Damaging"; Align-GVGD: "Class C15"). In summary, the available evidence is currently insufficient to determine the role of this variant in disease. Therefore, it has been classified as a Variant of Uncertain Significance.

NM_001122630.2(CDKN1C):c.160T>A (p.Phe54Ile)

Gene: CDKN1C (cyclin dependent kinase inhibitor 1C; minus strand). Cytogenetic location: 11p15.4.
Variant type: single nucleotide variant.
Coding change: c.160T>A on transcript NM_001122630.2 (MANE Select); coding-DNA position 160, T replaced by A.
Protein change: p.Phe54Ile; replaces phenylalanine 54 with isoleucine.
Molecular consequence: missense variant.
Genome position (GRCh38, 1-based): chr11:2,885,297, A>T on the plus strand (T>A on the coding strand, the complement: CDKN1C is on the minus strand). VCF-style: chr11-2885297-A-T. GRCh37 (hg19) VCF-style: chr11-2906527-A-T.
Other names: c.193T>A, p.Phe65Ile (NM_000076.2, NM_001362474.2); c.160T>A, p.Phe54Ile (NM_001122631.2, NM_001362475.2); short protein forms F54I, F65I.
Identifiers: ClinVar variation 1026795 (VCV001026795.8), dbSNP rs1848973334, ClinGen allele CA379147442.